The following is an entry in ClinVar:

ClinVar aggregate classification (germline): Uncertain significance (1 of 4 stars; one submission).

Conditions:
Hereditary cancer-predisposing syndrome. Also called: Neoplastic Syndromes, Hereditary; Hereditary Cancer Syndrome; Hereditary neoplastic syndrome; Tumor predisposition. Identifiers: Orphanet 140162, MedGen C0027672, MeSH D009386, MONDO:0015356.

Submission:

Ambry Genetics
Classification: Uncertain significance for Hereditary cancer-predisposing syndrome. Last evaluated: 2025-08-30. Review status: criteria provided, single submitter. Criteria: Ambry Variant Classification Scheme 2023. Collection method: clinical testing. Allele origin: germline.
Comment: The p.G170V variant (also known as c.509G>T), located in coding exon 3 of the PHOX2B gene, results from a G to T substitution at nucleotide position 509. The glycine at codon 170 is replaced by valine, an amino acid with dissimilar properties. This amino acid position is conserved. In addition, the in silico prediction for this alteration is inconclusive. Since supporting evidence is limited at this time, the clinical significance of this alteration remains unclear.

NM_003924.4(PHOX2B):c.509G>T (p.Gly170Val)

Gene: PHOX2B (paired like homeobox 2B; minus strand). Cytogenetic location: 4p13.
Variant type: single nucleotide variant.
Coding change: c.509G>T on transcript NM_003924.4 (MANE Select); coding-DNA position 509, G replaced by T.
Protein change: p.Gly170Val; replaces glycine 170 with valine.
Molecular consequence: missense variant.
Genome position (GRCh38, 1-based): chr4:41,746,243, C>A on the plus strand (G>T on the coding strand, the complement: PHOX2B is on the minus strand). VCF-style: chr4-41746243-C-A. GRCh37 (hg19) VCF-style: chr4-41748260-C-A.
Other names: short protein forms G170V.
Identifiers: ClinVar variation 2561570 (VCV002561570.3), dbSNP rs2552096891, ClinGen allele CA356738432.